The following is an entry in ClinVar:

NM_172230.3(SYVN1):c.1073A>C (p.His358Pro)

Gene: SYVN1 (synoviolin 1; minus strand). Cytogenetic location: 11q13.1.
Variant type: single nucleotide variant.
Coding change: c.1073A>C on transcript NM_172230.3 (MANE Select); coding-DNA position 1073, A replaced by C.
Protein change: p.His358Pro; replaces histidine 358 with proline.
Molecular consequence: missense variant.
Genome position (GRCh38, 1-based): chr11:65,130,692, T>G on the plus strand (A>C on the coding strand, the complement: SYVN1 is on the minus strand). VCF-style: chr11-65130692-T-G. GRCh37 (hg19) VCF-style: chr11-64898164-T-G.
Other names: c.1073A>C, p.His358Pro (NM_032431.3); short protein forms H358P.
Identifiers: ClinVar variation 403505 (VCV000403505.5), dbSNP rs756191256, ClinGen allele CA6092255.

ClinVar aggregate classification (germline): Benign. Review status: criteria provided, multiple submitters, no conflicts (2 of 4 stars). 2 submissions from 2 submitters: Benign (2). Last evaluated 2016-03-29.

Allele frequency attached by ClinVar (database versions not stated): gnomAD exomes 0.00451.

Submissions (2):

Laboratory for Molecular Medicine, Mass General Brigham Personalized Medicine
Classification: Benign. Last evaluated: 2016-03-29. Review status: criteria provided, single submitter. Criteria: LMM Criteria. Collection method: clinical testing. Allele origin: germline.
Comment: Variant identified in a genome or exome case(s) and assessed due to predicted null impact of the variant or pathogenic assertions in the literature or databases. Disclaimer: This variant has not undergone full assessment. The following are preliminary notes: Frequency

Breakthrough Genomics
Classification: Benign. Review status: criteria provided, single submitter. Criteria: ACMG Guidelines, 2015. Collection method: not provided. Allele origin: germline. Inheritance: Unknown mechanism. Affected: yes.